The following is an entry in ClinVar:

ClinVar aggregate classification (germline): Benign. Review status: criteria provided, multiple submitters, no conflicts (2 of 4 stars). 3 submissions from 3 submitters: Benign (3). Last evaluated 2018-06-14.

Allele frequency attached by ClinVar (database versions not stated): ESP Exome Variant Server 0.08354; TOPMed 0.11772; 1000 Genomes Project 0.15515; gnomAD exomes 0.07309 and 0.11143; ExAC 0.10780; gnomAD 0.10777; 1000 Genomes Project 30x 0.15084.
gnomAD v4.1: 123,922 of 1,612,786 alleles (7.7%); highest among the groups gnomAD compares: East Asian, 39%; 8,392 homozygotes.

Submissions (3):

GeneDx
Classification: Benign. Last evaluated: 2018-06-14. Review status: criteria provided, single submitter. Criteria: GeneDx Variant Classification (06012015). Collection method: clinical testing. Allele origin: germline. Affected: yes.
Comment: This variant is considered likely benign or benign based on one or more of the following criteria: it is a conservative change, it occurs at a poorly conserved position in the protein, it is predicted to be benign by multiple in silico algorithms, and/or has population frequency not consistent with disease.

Breakthrough Genomics
Classification: Benign. Review status: criteria provided, single submitter. Criteria: ACMG Guidelines, 2015. Collection method: not provided. Allele origin: germline. Inheritance: Autosomal dominant inheritance. Affected: yes.

PreventionGenetics, part of Exact Sciences
Classification: Benign. Review status: criteria provided, single submitter. Criteria: ACMG Guidelines, 2015. Collection method: clinical testing. Allele origin: germline.

NM_001035.3(RYR2):c.6556-28A>G

Gene: RYR2 (ryanodine receptor 2; plus strand). Cytogenetic location: 1q43.
Variant type: single nucleotide variant.
Coding change: c.6556-28A>G on transcript NM_001035.3 (MANE Select); 28 bases into the intron before coding-DNA position 6556, A replaced by G.
Molecular consequence: intron variant.
Genome position (GRCh38, 1-based): chr1:237,633,550, A>G. VCF-style: chr1-237633550-A-G. GRCh37 (hg19) VCF-style: chr1-237796850-A-G.
Other names: c.6556-28A>G (LRG_402t1).
Identifiers: ClinVar variation 257213 (VCV000257213.3), dbSNP rs12563366, ClinGen allele CA087147.